The following is an entry in ClinVar:

NM_013254.4(TBK1):c.738_739del (p.Ser247fs)

Gene: TBK1 (TANK binding kinase 1; plus strand). Cytogenetic location: 12q14.2.
Variant type: Microsatellite.
Coding change: c.738_739del on transcript NM_013254.4 (MANE Select); coding-DNA positions 738 to 739, 2 bases deleted (AT; older notation c.738_739delAT).
Protein change: p.Ser247fs; shifts the reading frame from serine 247.
Molecular consequence: frameshift variant.
Genome position (GRCh38, 1-based): chr12:64,480,048-64,480,049, AT deleted; deleting any 2 consecutive bases within chr12:64,480,046-64,480,049 gives the same sequence; the c. name uses the placement nearest the transcript's 3' end. VCF-style (leftmost placement, unchanged base first): chr12-64480045-AAT-A. GRCh37 (hg19) VCF-style: chr12-64873825-AAT-A.
Other names: short protein forms S247fs.
Identifiers: ClinVar variation 1878670 (VCV001878670.1), dbSNP rs2539511024, ClinGen allele CA2580616813.
Genomic context (GRCh38, chr12:64,480,045, plus strand): 5'-TTTTATTCTGCTTTTGTTCCTCCCAAGGTATAAAATAATTACAGGAAAGCCTTCTGGTGC[AAT>A]ATCTGGAGTACAGAAAGCAGAAAATGGACCAATTGACTGGAGTGGAGACATGCCTGTTTC-3'

ClinVar aggregate classification (germline): Pathogenic (1 of 4 stars; one submission).

Conditions:
Frontotemporal dementia and/or amyotrophic lateral sclerosis 4. Also called: FTDALS4. Identifiers: Orphanet 275872, MedGen C4225325, MONDO:0014641, OMIM 616439.

Submission:

Institute of Medical Genetics and Applied Genomics, University Hospital Tübingen
Classification: Pathogenic for Frontotemporal dementia and/or amyotrophic lateral sclerosis 4. Last evaluated: 2023-01-18. Review status: criteria provided, single submitter. Criteria: ACMG Guidelines, 2015. Collection method: clinical testing. Allele origin: germline. Inheritance: Autosomal dominant inheritance. Affected: yes.
Comment: many known small deletions known 3' of this fs del